The following is an entry in ClinVar:

NM_006947.4(SRP72):c.827A>G (p.Asp276Gly)

Gene: SRP72 (signal recognition particle 72; plus strand). Cytogenetic location: 4q12.
Variant type: single nucleotide variant.
Coding change: c.827A>G on transcript NM_006947.4 (MANE Select); coding-DNA position 827, A replaced by G.
Protein change: p.Asp276Gly; replaces aspartic acid 276 with glycine.
Molecular consequence: missense variant. On other transcripts: non-coding transcript variant (1).
Genome position (GRCh38, 1-based): chr4:56,483,140, A>G. VCF-style: chr4-56483140-A-G. GRCh37 (hg19) VCF-style: chr4-57349306-A-G.
Other names: c.644A>G, p.Asp215Gly (NM_001267722.2); short protein forms D215G, D276G.
Identifiers: ClinVar variation 3962143 (VCV003962143.1).

ClinVar aggregate classification (germline): Uncertain significance (1 of 4 stars; one submission).

Submission:

Ambry Genetics
Classification: Uncertain significance. Last evaluated: 2025-06-08. Review status: criteria provided, single submitter. Criteria: Ambry Variant Classification Scheme 2023. Collection method: clinical testing. Allele origin: germline.
Comment: The p.D276G variant (also known as c.827A>G), located in coding exon 9 of the SRP72 gene, results from an A to G substitution at nucleotide position 827. The aspartic acid at codon 276 is replaced by glycine, an amino acid with similar properties. This amino acid position is conserved. In addition, this alteration is predicted to be deleterious by in silico analysis. Based on the available evidence, the clinical significance of this variant remains unclear.